The following is an entry in ClinVar:

ClinVar aggregate classification (germline): Likely pathogenic (1 of 4 stars; one submission).

Conditions:
Aland island eye disease (AIED). Also called: Forsius Eriksson type ocular albinism. Identifiers: Orphanet 178333, MedGen C0268505, MONDO:0010371, OMIM 300600.
Congenital stationary night blindness 2A (CSNB2A). Also called: NIGHT BLINDNESS, CONGENITAL STATIONARY, TYPE 2; Night blindness, congenital stationary (incomplete), 2A, X-linked; CACNA1F-Related X-Linked Congenital Stationary Night Blindness; CSNB, INCOMPLETE, X-LINKED. Identifiers: Orphanet 215, MedGen C1848172, MONDO:0010241, OMIM 300071.
X-linked cone-rod dystrophy 3 (CORDX3). Identifiers: Orphanet 1872, MedGen C1845407, MONDO:0010335, OMIM 300476.

Submission:

Juno Genomics, Hangzhou Juno Genomics, Inc
Classification: Likely pathogenic for Aland island eye disease; X-linked cone-rod dystrophy 3; Congenital stationary night blindness 2A. Review status: criteria provided, single submitter. Criteria: ACMG Guidelines, 2015. Collection method: clinical testing. Allele origin: germline.
Comment: Null variant in a gene where loss of function (LOF) is a known mechanism of disease.;Absent from controls (or at extremely low frequency if recessive) in Genome Aggregation Database.

NM_001256789.3(CACNA1F):c.1423del (p.Asp475fs)

Gene: CACNA1F (calcium voltage-gated channel subunit alpha1 F; minus strand). Cytogenetic location: Xp11.23.
Variant type: Deletion.
Coding change: c.1423del on transcript NM_001256789.3 (MANE Select); coding-DNA position 1423, one base deleted (G; older notation c.1423delG).
Protein change: p.Asp475fs; shifts the reading frame from aspartic acid 475.
Molecular consequence: frameshift variant.
Genome position (GRCh38, 1-based): chrX:49,226,449, C deleted on the plus strand (G on the coding strand, the reverse complement: CACNA1F is on the minus strand); the first of 2 consecutive C bases (chrX:49,226,449-49,226,450); deleting either gives the same sequence. VCF-style (leftmost placement, unchanged base first): chrX-49226448-TC-T. GRCh37 (hg19) VCF-style: chrX-49082910-TC-T.
Other names: c.1261del, p.Asp421fs (NM_001256790.3); c.1456del, p.Asp486fs (NM_005183.4); short protein forms D486fs, D421fs, D475fs.
Identifiers: ClinVar variation 5007572 (VCV005007572.2).